The following is an entry in ClinVar:

NM_018003.4(UACA):c.3220G>T (p.Asp1074Tyr)

Gene: UACA (uveal autoantigen with coiled-coil domains and ankyrin repeats; minus strand). Cytogenetic location: 15q23.
Variant type: single nucleotide variant.
Coding change: c.3220G>T on transcript NM_018003.4 (MANE Select); coding-DNA position 3220, G replaced by T.
Protein change: p.Asp1074Tyr; replaces aspartic acid 1074 with tyrosine.
Molecular consequence: missense variant.
Genome position (GRCh38, 1-based): chr15:70,667,464, C>A on the plus strand (G>T on the coding strand, the complement: UACA is on the minus strand). VCF-style: chr15-70667464-C-A. GRCh37 (hg19) VCF-style: chr15-70959803-C-A.
Other names: c.3181G>T, p.Asp1061Tyr (NM_001008224.3); short protein forms D1061Y, D1074Y.
Identifiers: ClinVar variation 3055452 (VCV003055452.2), dbSNP rs61729919, ClinGen allele CA7636857.

ClinVar aggregate classification (germline): Benign (0 of 4 stars; one submission).

Conditions:
UACA-related disorder. Also called: UACA-related condition.

Allele frequency attached by ClinVar (database versions not stated): gnomAD exomes 0.00105; ExAC 0.00337; 1000 Genomes Project 0.00978; 1000 Genomes Project 30x 0.01062; gnomAD 0.01092; ESP Exome Variant Server 0.01101; TOPMed 0.01220.
gnomAD v4.1: 3,221 of 1,610,104 alleles (0.2%); highest among the groups gnomAD compares: African/African-American, 3.9%; 57 homozygotes.

Submission:

PreventionGenetics, part of Exact Sciences
Classification: Benign for UACA-related condition. Last evaluated: 2019-04-30. Review status: no assertion criteria provided. Collection method: clinical testing. Allele origin: germline.
Comment: This variant is classified as benign based on ACMG/AMP sequence variant interpretation guidelines (Richards et al. 2015 PMID: 25741868, with internal and published modifications).